The following is an entry in ClinVar:

ClinVar aggregate classification (germline): Conflicting classifications of pathogenicity. Review status: criteria provided, conflicting classifications (1 of 4 stars). 4 submissions from 4 submitters: Uncertain significance (3); Likely benign (1). Last evaluated 2026-09-21.

Conditions:
IMPG1-related disorder. Also called: IMPG1-related condition.

Allele frequency attached by ClinVar (database versions not stated): ExAC 0.00004; gnomAD exomes 0.00004; ESP Exome Variant Server 0.00008; TOPMed 0.00012; 1000 Genomes Project 30x 0.00016; 1000 Genomes Project 0.00020.
gnomAD v4.1: 88 of 1,613,832 alleles (0.0055%); highest among the groups gnomAD compares: Non-Finnish European, 0.0063%; 1 homozygote.

Submissions (4):

PreventionGenetics, part of Exact Sciences
Classification: Uncertain significance for IMPG1-related condition. Last evaluated: 2026-09-21. Review status: criteria provided, single submitter. Criteria: ACMG Guidelines, 2015. Collection method: clinical testing. Allele origin: germline.
Comment: The IMPG1 c.914C>T variant is predicted to result in the amino acid substitution p.Thr305Met. To our knowledge, this variant has not been reported in the literature. This variant is reported in 0.0071% of alleles in individuals of European (Non-Finnish) descent in gnomAD. At this time, the clinical significance of this variant is uncertain due to the absence of conclusive functional and genetic evidence.

Labcorp Genetics (formerly Invitae), Labcorp
Classification: Uncertain significance. Last evaluated: 2025-12-01. Review status: criteria provided, single submitter. Criteria: Invitae Variant Classification Sherloc (09022015). Collection method: clinical testing. Allele origin: germline.
Comment: This sequence change replaces threonine, which is neutral and polar, with methionine, which is neutral and non-polar, at codon 305 of the IMPG1 protein (p.Thr305Met). This variant is present in population databases (rs370162508, gnomAD 0.007%). This variant has not been reported in the literature in individuals affected with IMPG1-related conditions. ClinVar contains an entry for this variant (Variation ID: 955216). An algorithm developed to predict the effect of missense changes on protein structure and function outputs the following: PolyPhen-2: "Benign". The methionine amino acid residue is found in multiple mammalian species, which suggests that this missense change does not adversely affect protein function. In summary, the available evidence is currently insufficient to determine the role of this variant in disease. Therefore, it has been classified as a Variant of Uncertain Significance.

Ambry Genetics
Classification: Likely benign. Last evaluated: 2024-12-11. Review status: criteria provided, single submitter. Criteria: Ambry Variant Classification Scheme 2023. Collection method: clinical testing. Allele origin: germline.

Blueprint Genetics
Classification: Uncertain significance. Last evaluated: 2024-11-13. Review status: criteria provided, single submitter. Criteria: ACMG Guidelines, 2015. Collection method: clinical testing. Allele origin: germline.

NM_001563.4(IMPG1):c.914C>T (p.Thr305Met)

Gene: IMPG1 (interphotoreceptor matrix proteoglycan 1; minus strand). Cytogenetic location: 6q14.1.
Variant type: single nucleotide variant.
Coding change: c.914C>T on transcript NM_001563.4 (MANE Select); coding-DNA position 914, C replaced by T.
Protein change: p.Thr305Met; replaces threonine 305 with methionine.
Molecular consequence: missense variant.
Genome position (GRCh38, 1-based): chr6:76,005,508, G>A on the plus strand (C>T on the coding strand, the complement: IMPG1 is on the minus strand). VCF-style: chr6-76005508-G-A. GRCh37 (hg19) VCF-style: chr6-76715225-G-A.
Other names: c.914C>T (NM_001563.2); c.680C>T, p.Thr227Met (NM_001282368.2); short protein forms T305M, T227M.
Identifiers: ClinVar variation 955216 (VCV000955216.13), dbSNP rs370162508, ClinGen allele CA3898264.